The following is an entry in ClinVar:

ClinVar aggregate classification (germline): Benign (1 of 4 stars; one submission).

Allele frequency attached by ClinVar (database versions not stated): gnomAD 0.03576 and 0.03830; 1000 Genomes Project 0.04054; TOPMed 0.04063; 1000 Genomes Project 30x 0.04310.
gnomAD v4.1: 8,485 of 931,382 alleles (0.91%); highest among the groups gnomAD compares: African/African-American, 12%; 452 homozygotes.

Submission:

GeneDx
Classification: Benign. Last evaluated: 2018-06-16. Review status: criteria provided, single submitter. Criteria: GeneDx Variant Classification (06012015). Collection method: clinical testing. Allele origin: germline. Affected: yes.
Comment: This variant is considered likely benign or benign based on one or more of the following criteria: it is a conservative change, it occurs at a poorly conserved position in the protein, it is predicted to be benign by multiple in silico algorithms, and/or has population frequency not consistent with disease.

NM_001080449.3(DNA2):c.1415+107C>T

Gene: DNA2 (DNA replication helicase/nuclease 2; minus strand). Cytogenetic location: 10q21.3.
Variant type: single nucleotide variant.
Coding change: c.1415+107C>T on transcript NM_001080449.3 (MANE Select); 107 bases into the intron after coding-DNA position 1415, C replaced by T.
Molecular consequence: intron variant.
Genome position (GRCh38, 1-based): chr10:68,442,810, G>A on the plus strand (C>T on the coding strand, the complement: DNA2 is on the minus strand). VCF-style: chr10-68442810-G-A. GRCh37 (hg19) VCF-style: chr10-70202567-G-A.
Identifiers: ClinVar variation 675537 (VCV000675537.1), dbSNP rs79887385, ClinGen allele CA208211715.